The following is an entry in ClinVar:

NM_144999.4(LRRC45):c.1888C>T (p.Arg630Trp)

Gene: LRRC45 (leucine rich repeat containing 45; plus strand). Cytogenetic location: 17q25.3.
Variant type: single nucleotide variant.
Coding change: c.1888C>T on transcript NM_144999.4 (MANE Select); coding-DNA position 1888, C replaced by T.
Protein change: p.Arg630Trp; replaces arginine 630 with tryptophan.
Molecular consequence: missense variant.
Genome position (GRCh38, 1-based): chr17:82,030,680, C>T. VCF-style: chr17-82030680-C-T. GRCh37 (hg19) VCF-style: chr17-79988556-C-T.
Other names: short protein forms R630W.
Identifiers: ClinVar variation 4988722 (VCV004988722.1).

ClinVar aggregate classification (germline): Uncertain significance (1 of 4 stars; one submission).

Conditions:
LRRC45-related disorder. Also called: LRRC45-related condition.

Submission:

PreventionGenetics, part of Exact Sciences
Classification: Uncertain significance for LRRC45-related condition. Last evaluated: 2024-11-20. Review status: criteria provided, single submitter. Criteria: ACMG Guidelines, 2015. Collection method: clinical testing. Allele origin: germline.
Comment: The LRRC45 c.1888C>T variant is predicted to result in the amino acid substitution p.Arg630Trp. To our knowledge, this variant has not been reported in the literature. This variant is reported in 0.0045% of alleles in individuals of European (Non-Finnish) descent in gnomAD. At this time, the clinical significance of this variant is uncertain due to the absence of conclusive functional and genetic evidence.